The following is an entry in ClinVar:

ClinVar aggregate classification (germline): Uncertain significance (1 of 4 stars; one submission).

Conditions:
Inborn genetic diseases. Identifiers: MedGen C0950123, MeSH D030342.

gnomAD v4.1: 3 of 1,614,154 alleles (0.00019%); highest among the groups gnomAD compares: South Asian, 0.0033%; no homozygotes.

Submission:

Ambry Genetics
Classification: Uncertain significance for Inborn genetic diseases. Last evaluated: 2024-11-24. Review status: criteria provided, single submitter. Criteria: Ambry Variant Classification Scheme 2023. Collection method: clinical testing. Allele origin: germline.
Comment: The p.Q248H variant (also known as c.744G>C), located in coding exon 8 of the FANCA gene, results from a G to C substitution at nucleotide position 744. The glutamine at codon 248 is replaced by histidine, an amino acid with highly similar properties. This amino acid position is conserved. In addition, this alteration is predicted to be tolerated by in silico analysis. Based on the available evidence, the clinical significance of this variant remains unclear.

NM_000135.4(FANCA):c.744G>C (p.Gln248His)

Gene: FANCA (FA complementation group A; minus strand). Cytogenetic location: 16q24.3.
Variant type: single nucleotide variant.
Coding change: c.744G>C on transcript NM_000135.4 (MANE Select); coding-DNA position 744, G replaced by C.
Protein change: p.Gln248His; replaces glutamine 248 with histidine.
Molecular consequence: missense variant.
Genome position (GRCh38, 1-based): chr16:89,803,307, C>G on the plus strand (G>C on the coding strand, the complement: FANCA is on the minus strand). VCF-style: chr16-89803307-C-G. GRCh37 (hg19) VCF-style: chr16-89869715-C-G.
Other names: c.744G>C, p.Gln248His (NM_001018112.3, NM_001286167.3); c.648G>C, p.Gln216His (NM_001351830.2); short protein forms Q216H, Q248H.
Identifiers: ClinVar variation 3512661 (VCV003512661.1).